The following is an entry in ClinVar:

ClinVar aggregate classification (germline): Pathogenic (1 of 4 stars; one submission).

Conditions:
Hereditary cancer-predisposing syndrome. Also called: Neoplastic Syndromes, Hereditary; Tumor predisposition; Hereditary Cancer Syndrome; Hereditary neoplastic syndrome. Identifiers: Orphanet 140162, MedGen C0027672, MeSH D009386, MONDO:0015356.

Submission:

Ambry Genetics
Classification: Pathogenic for Hereditary cancer-predisposing syndrome. Last evaluated: 2022-05-25. Review status: criteria provided, single submitter. Criteria: Ambry Variant Classification Scheme 2023. Collection method: clinical testing. Allele origin: germline.
Comment: The p.Q232* pathogenic mutation (also known as c.694C>T), located in coding exon 4 of the FLCN gene, results from a C to T substitution at nucleotide position 694. This changes the amino acid from a glutamine to a stop codon within coding exon 4. This variant is considered to be rare based on population cohorts in the Genome Aggregation Database (gnomAD). This alteration is expected to result in loss of function by premature protein truncation or nonsense-mediated mRNA decay. As such, this alteration is interpreted as a disease-causing mutation.

NM_144997.7(FLCN):c.694C>T (p.Gln232Ter)

Gene: FLCN (folliculin; minus strand). Cytogenetic location: 17p11.2.
Variant type: single nucleotide variant.
Coding change: c.694C>T on transcript NM_144997.7 (MANE Select); coding-DNA position 694, C replaced by T.
Protein change: p.Gln232Ter; replaces glutamine 232 with a stop codon.
Molecular consequence: nonsense.
Genome position (GRCh38, 1-based): chr17:17,222,586, G>A on the plus strand (C>T on the coding strand, the complement: FLCN is on the minus strand). VCF-style: chr17-17222586-G-A. GRCh37 (hg19) VCF-style: chr17-17125900-G-A.
Other names: c.748C>T, p.Gln250Ter (NM_001353229.2); c.694C>T, p.Gln232Ter (NM_001353230.2, NM_001353231.2, NM_144606.7); short protein forms Q250*, Q232*.
Identifiers: ClinVar variation 1756285 (VCV001756285.2), dbSNP rs2544234013, ClinGen allele CA398533988.